The following is an entry in ClinVar:

ClinVar aggregate classification (germline): Uncertain significance (1 of 4 stars; one submission).

Conditions:
IFT27-related disorder. Also called: IFT27-related condition.

Submission:

PreventionGenetics, part of Exact Sciences
Classification: Uncertain significance for IFT27-related condition. Last evaluated: 2026-03-04. Review status: criteria provided, single submitter. Criteria: ACMG Guidelines, 2015. Collection method: clinical testing. Allele origin: germline.
Comment: The IFT27 c.455C>T variant is predicted to result in the amino acid substitution p.Ser152Phe. To our knowledge, this variant has not been reported in the literature. This variant is reported in 0.0065% of alleles in individuals of African descent in gnomAD. At this time, the clinical significance of this variant is uncertain due to the absence of conclusive functional and genetic evidence.

NM_001177701.3(IFT27):c.458C>T (p.Ser153Phe)

Genes: CACNG2-DT (CACNG2 divergent transcript; plus strand), IFT27 (intraflagellar transport 27; minus strand). Cytogenetic location: 22q12.3.
Variant type: single nucleotide variant.
Coding change: c.458C>T on transcript NM_001177701.3 (MANE Select); coding-DNA position 458, C replaced by T.
Protein change: p.Ser153Phe; replaces serine 153 with phenylalanine.
Molecular consequence: missense variant.
Genome position (GRCh38, 1-based): chr22:36,762,908, G>A on the plus strand (C>T on the coding strand, the complement: IFT27 is on the minus strand). VCF-style: chr22-36762908-G-A. GRCh37 (hg19) VCF-style: chr22-37158952-G-A.
Other names: c.458C>T, p.Ser153Phe (NM_001363003.2); c.455C>T, p.Ser152Phe (NM_006860.5); short protein forms S152F, S153F.
Identifiers: ClinVar variation 4995805 (VCV004995805.1).